The following is an entry in ClinVar:

NM_001376256.1(CRYM):c.941A>C (p.Lys314Thr)

Gene: CRYM (crystallin mu; minus strand). Cytogenetic location: 16p12.2.
Variant type: single nucleotide variant.
Coding change: c.941A>C on transcript NM_001376256.1 (MANE Select); coding-DNA position 941, A replaced by C.
Protein change: p.Lys314Thr; replaces lysine 314 with threonine.
Molecular consequence: missense variant.
Genome position (GRCh38, 1-based): chr16:21,258,785, T>G on the plus strand (A>C on the coding strand, the complement: CRYM is on the minus strand). VCF-style: chr16-21258785-T-G. GRCh37 (hg19) VCF-style: chr16-21270106-T-G.
Other names: c.941A>C, p.Lys314Thr (NM_001888.5); short protein forms K314T.
Identifiers: ClinVar variation 16935 (VCV000016935.2), dbSNP rs104894512, ClinGen allele CA126994.

ClinVar aggregate classification (germline): no classifications from unflagged records (0 of 4 stars; one submission).

Conditions:
Autosomal dominant nonsyndromic hearing loss 40. Also called: Deafness, autosomal dominant 40. Identifiers: Orphanet 90635, MedGen C4084708, MONDO:0014603, OMIM 616357.

Allele frequency attached by ClinVar (database versions not stated): gnomAD exomes below 0.00001; TOPMed 0.00001.
gnomAD v4.1: 2 of 1,613,738 alleles (0.00012%); highest among the groups gnomAD compares: East Asian, 0.0045%; no homozygotes.

Submission:

OMIM
Classification: Pathogenic for DEAFNESS, AUTOSOMAL DOMINANT 40. Last evaluated: 2003-01-01. Review status: flagged submission. Collection method: literature only. Allele origin: germline.
ClinVar note: Notes: Flagging candidate with reason of insufficient supporting evidence. This gene has been classified as having a limited gene-disease relationship by a ClinGen Expert Panel.
ClinVar note: Reason: P/LP classification for a variant in a gene with insufficient evidence for a gene-disease relationship

Literature cited by the submitters: PubMed 12471561.